The following is an entry in ClinVar:

NM_025074.7(FRAS1):c.11106T>G (p.Tyr3702Ter)

Gene: FRAS1 (Fraser extracellular matrix complex subunit 1; plus strand). Cytogenetic location: 4q21.21.
Variant type: single nucleotide variant.
Coding change: c.11106T>G on transcript NM_025074.7 (MANE Select); coding-DNA position 11106, T replaced by G.
Protein change: p.Tyr3702Ter; replaces tyrosine 3702 with a stop codon.
Molecular consequence: nonsense.
Genome position (GRCh38, 1-based): chr4:78,537,008, T>G. VCF-style: chr4-78537008-T-G. GRCh37 (hg19) VCF-style: chr4-79458162-T-G.
Other names: short protein forms Y3702*.
Identifiers: ClinVar variation 2734818 (VCV002734818.3), dbSNP rs2475851383, ClinGen allele CA357398429.

ClinVar aggregate classification (germline): Pathogenic (1 of 4 stars; one submission).

Submission:

Labcorp Genetics (formerly Invitae), Labcorp
Classification: Pathogenic. Last evaluated: 2023-07-03. Review status: criteria provided, single submitter. Criteria: Invitae Variant Classification Sherloc (09022015). Collection method: clinical testing. Allele origin: germline.
Comment: This sequence change creates a premature translational stop signal (p.Tyr3702*) in the FRAS1 gene. It is expected to result in an absent or disrupted protein product. Loss-of-function variants in FRAS1 are known to be pathogenic (PMID: 12766769, 18671281). This variant is not present in population databases (gnomAD no frequency). This variant has not been reported in the literature in individuals affected with FRAS1-related conditions. For these reasons, this variant has been classified as Pathogenic.

Literature cited by the submitters: PubMed 12766769; PubMed 18671281.